The following is an entry in ClinVar:

NM_001849.4(COL6A2):c.2043C>T (p.Ile681=)

Gene: COL6A2 (collagen type VI alpha 2 chain; plus strand). Cytogenetic location: 21q22.3.
Variant type: single nucleotide variant.
Coding change: c.2043C>T on transcript NM_001849.4 (MANE Select); coding-DNA position 2043, C replaced by T.
Protein change: p.Ile681=; no amino-acid change (isoleucine 681 retained).
Molecular consequence: synonymous variant.
Genome position (GRCh38, 1-based): chr21:46,125,858, C>T. VCF-style: chr21-46125858-C-T. GRCh37 (hg19) VCF-style: chr21-47545772-C-T.
Other names: c.2043C>T, p.Ile681= (NM_058174.3, NM_058175.3).
Identifiers: ClinVar variation 258322 (VCV000258322.24), dbSNP rs373514837, ClinGen allele CA10072423.

ClinVar aggregate classification (germline): Likely benign. Review status: criteria provided, multiple submitters, no conflicts (2 of 4 stars). 6 submissions from 6 submitters: Likely benign (6). Last evaluated 2026-04-28.

Conditions:
Bethlem myopathy 1A. Also called: Bethlem myopathy 1; MYOPATHY, BENIGN CONGENITAL, WITH CONTRACTURES; Bethlem Muscular Dystrophy. Identifiers: Orphanet 610, MedGen CN029274, MONDO:0024530, OMIM 158810.

Allele frequency attached by ClinVar (database versions not stated): gnomAD 0.00005 and 0.00006; TOPMed 0.00005; ESP Exome Variant Server 0.00008.
gnomAD v4.1: 83 of 1,612,840 alleles (0.0051%); highest among the groups gnomAD compares: Middle Eastern, 0.016%; no homozygotes.

Submissions (6):

Women's Health and Genetics/Laboratory Corporation of America, LabCorp
Classification: Likely benign. Last evaluated: 2026-04-28. Review status: criteria provided, single submitter. Criteria: LabCorp Variant Classification Summary - May 2015. Collection method: clinical testing. Allele origin: germline.

Labcorp Genetics (formerly Invitae), Labcorp
Classification: Likely benign for Bethlem myopathy 1A. Last evaluated: 2026-01-12. Review status: criteria provided, single submitter. Criteria: Invitae Variant Classification Sherloc (09022015). Collection method: clinical testing. Allele origin: germline.

CeGaT Center for Human Genetics Tuebingen
Classification: Likely benign. Last evaluated: 2025-04-01. Review status: criteria provided, single submitter. Criteria: CeGaT Center For Human Genetics Tuebingen Variant Classification Criteria Version 2. Collection method: clinical testing. Allele origin: germline. Affected: yes. Observed: 1 variant allele.
Comment: COL6A2: BP4, BP7

Blueprint Genetics
Classification: Likely benign. Last evaluated: 2024-11-06. Review status: criteria provided, single submitter. Criteria: ACMG Guidelines, 2015. Collection method: clinical testing. Allele origin: germline.

GeneDx
Classification: Likely benign. Last evaluated: 2017-03-06. Review status: criteria provided, single submitter. Criteria: GeneDx Variant Classification (06012015). Collection method: clinical testing. Allele origin: germline. Affected: yes.
Comment: This variant is considered likely benign or benign based on one or more of the following criteria: it is a conservative change, it occurs at a poorly conserved position in the protein, it is predicted to be benign by multiple in silico algorithms, and/or has population frequency not consistent with disease.

PreventionGenetics, part of Exact Sciences
Classification: Likely benign. Review status: criteria provided, single submitter. Criteria: ACMG Guidelines, 2015. Collection method: clinical testing. Allele origin: germline.